The following is an entry in ClinVar:

ClinVar aggregate classification (germline): Benign. Review status: criteria provided, multiple submitters, no conflicts (2 of 4 stars). 8 submissions from 8 submitters: Benign (8). Last evaluated 2026-05-11.

Conditions:
Connective tissue disorder. Also called: Connective tissue disease. Identifiers: MedGen C0009782, MONDO:0003900.
Achondrogenesis, type IA (ACG1A). Identifiers: Orphanet 932, Orphanet 93299, MedGen C0265273, MONDO:0008701, OMIM 200600.

Allele frequency attached by ClinVar (database versions not stated): ESP Exome Variant Server 0.01261; TOPMed 0.01456; gnomAD 0.01567 and 0.01846; gnomAD exomes 0.02120 and 0.02672; ExAC 0.02816; 1000 Genomes Project 30x 0.03732; 1000 Genomes Project 0.03974.
gnomAD v4.1: 33,826 of 1,614,112 alleles (2.1%); highest among the groups gnomAD compares: East Asian, 8.8%; 719 homozygotes.

Submissions (23):

Women's Health and Genetics/Laboratory Corporation of America, LabCorp
Classification: Benign. Last evaluated: 2026-05-11. Review status: criteria provided, single submitter. Criteria: LabCorp Variant Classification Summary - May 2015. Collection method: clinical testing. Allele origin: germline.

Labcorp Genetics (formerly Invitae), Labcorp
Classification: Benign for Achondrogenesis, type IA. Last evaluated: 2026-02-01. Review status: criteria provided, single submitter. Criteria: Invitae Variant Classification Sherloc (09022015). Collection method: clinical testing. Allele origin: germline.

ARUP Laboratories, Molecular Genetics and Genomics, ARUP Laboratories
Classification: Benign. Last evaluated: 2025-06-13. Review status: criteria provided, single submitter. Criteria: ARUP Molecular Germline Variant Investigation Process 2024. Collection method: clinical testing. Allele origin: germline.

Genome Diagnostics Laboratory, The Hospital for Sick Children
Classification: Benign for Connective tissue disorder. Last evaluated: 2021-05-11. Review status: criteria provided, single submitter. Criteria: ACMG Guidelines, 2015. Collection method: clinical testing. Allele origin: germline.

Mayo Clinic Laboratories, Mayo Clinic
Classification: Benign. Last evaluated: 2020-07-10. Review status: criteria provided, single submitter. Criteria: ACMG Guidelines, 2015. Collection method: clinical testing. Allele origin: germline. Observed: 4 variant alleles.

Illumina Laboratory Services, Illumina
Classification: Benign for Achondrogenesis, type IA. Last evaluated: 2018-01-13. Review status: criteria provided, single submitter. Criteria: ICSL Variant Classification Criteria 13 December 2019. Collection method: clinical testing. Allele origin: germline.
Comment: This variant was observed in the ICSL laboratory as part of a predisposition screen in an ostensibly healthy population. It had not been previously curated by ICSL or reported in the Human Gene Mutation Database (HGMD: prior to June 1st, 2018), and was therefore a candidate for classification through an automated scoring system. Utilizing variant allele frequency, disease prevalence and penetrance estimates, and inheritance mode, an automated score was calculated to assess if this variant is too frequent to cause the disease. Based on the score and internal cut-off values, a variant classified as benign is not then subjected to further curation. The score for this variant resulted in a classification of benign for this disease.

GeneDx
Classification: Benign. Last evaluated: 2016-06-29. Review status: criteria provided, single submitter. Criteria: GeneDx Variant Classification (06012015). Collection method: clinical testing. Allele origin: germline. Affected: yes.
Comment: This variant is considered likely benign or benign based on one or more of the following criteria: it is a conservative change, it occurs at a poorly conserved position in the protein, it is predicted to be benign by multiple in silico algorithms, and/or has population frequency not consistent with disease.

Breakthrough Genomics
Classification: Benign. Review status: criteria provided, single submitter. Criteria: ACMG Guidelines, 2015. Collection method: not provided. Allele origin: germline. Inheritance: Autosomal recessive inheritance. Affected: yes.

Dr. Peter K. Rogan Lab, Western University
No classification provided (evidence only). Condition: Melanoma. Review status: no classification provided. Collection method: in vitro. Allele origin: not applicable. Functional consequence: retained intron. Not counted in ClinVar's aggregate classification.

Dr. Peter K. Rogan Lab, Western University
No classification provided (evidence only). Condition: Melanoma. Review status: no classification provided. Collection method: in vitro. Allele origin: not applicable. Functional consequence: retained intron. Not counted in ClinVar's aggregate classification.

Dr. Peter K. Rogan Lab, Western University
No classification provided (evidence only). Condition: Melanoma. Review status: no classification provided. Collection method: in vitro. Allele origin: not applicable. Functional consequence: retained intron. Not counted in ClinVar's aggregate classification.

Dr. Peter K. Rogan Lab, Western University
No classification provided (evidence only). Condition: Acute myeloid leukemia. Review status: no classification provided. Collection method: in vitro. Allele origin: not applicable. Functional consequence: retained intron. Not counted in ClinVar's aggregate classification.

Dr. Peter K. Rogan Lab, Western University
No classification provided (evidence only). Condition: Uterine corpus endometrial carcinoma. Review status: no classification provided. Collection method: in vitro. Allele origin: not applicable. Functional consequence: retained intron. Not counted in ClinVar's aggregate classification.

Dr. Peter K. Rogan Lab, Western University
No classification provided (evidence only). Condition: Cervical cancer. Review status: no classification provided. Collection method: in vitro. Allele origin: not applicable. Functional consequence: retained intron. Not counted in ClinVar's aggregate classification.

Dr. Peter K. Rogan Lab, Western University
No classification provided (evidence only). Condition: Cervical cancer. Review status: no classification provided. Collection method: in vitro. Allele origin: not applicable. Functional consequence: retained intron. Not counted in ClinVar's aggregate classification.

Dr. Peter K. Rogan Lab, Western University
No classification provided (evidence only). Condition: Sarcoma. Review status: no classification provided. Collection method: in vitro. Allele origin: not applicable. Functional consequence: retained intron. Not counted in ClinVar's aggregate classification.

Dr. Peter K. Rogan Lab, Western University
No classification provided (evidence only). Condition: Cholangiocarcinoma. Review status: no classification provided. Collection method: in vitro. Allele origin: not applicable. Functional consequence: retained intron. Not counted in ClinVar's aggregate classification.

Dr. Peter K. Rogan Lab, Western University
No classification provided (evidence only). Condition: Uterine carcinosarcoma. Review status: no classification provided. Collection method: in vitro. Allele origin: not applicable. Functional consequence: retained intron. Not counted in ClinVar's aggregate classification.

Dr. Peter K. Rogan Lab, Western University
No classification provided (evidence only). Condition: Malignant tumor of esophagus. Review status: no classification provided. Collection method: in vitro. Allele origin: not applicable. Functional consequence: retained intron. Not counted in ClinVar's aggregate classification.

Dr. Peter K. Rogan Lab, Western University
No classification provided (evidence only). Condition: Malignant tumor of esophagus. Review status: no classification provided. Collection method: in vitro. Allele origin: not applicable. Functional consequence: retained intron. Not counted in ClinVar's aggregate classification.

Dr. Peter K. Rogan Lab, Western University
No classification provided (evidence only). Condition: Malignant tumor of esophagus. Review status: no classification provided. Collection method: in vitro. Allele origin: not applicable. Functional consequence: retained intron. Not counted in ClinVar's aggregate classification.

Dr. Peter K. Rogan Lab, Western University
No classification provided (evidence only). Condition: Malignant tumor of esophagus. Review status: no classification provided. Collection method: in vitro. Allele origin: not applicable. Functional consequence: retained intron. Not counted in ClinVar's aggregate classification.

Dr. Peter K. Rogan Lab, Western University
No classification provided (evidence only). Condition: Malignant tumor of esophagus. Review status: no classification provided. Collection method: in vitro. Allele origin: not applicable. Functional consequence: retained intron. Not counted in ClinVar's aggregate classification.

NM_004239.4(TRIP11):c.5781G>A (p.Ser1927=)

Gene: TRIP11 (thyroid hormone receptor interactor 11; minus strand). Cytogenetic location: 14q32.12.
Variant type: single nucleotide variant.
Coding change: c.5781G>A on transcript NM_004239.4 (MANE Select); coding-DNA position 5781, G replaced by A.
Protein change: p.Ser1927=; no amino-acid change (serine 1927 retained).
Molecular consequence: synonymous variant.
Genome position (GRCh38, 1-based): chr14:91,969,832, C>T on the plus strand (G>A on the coding strand, the complement: TRIP11 is on the minus strand). VCF-style: chr14-91969832-C-T. GRCh37 (hg19) VCF-style: chr14-92436176-C-T.
Other names: p.Ser1927=; c.5778G>A, p.Ser1926= (NM_001321851.1).
Identifiers: ClinVar variation 314927 (VCV000314927.33), dbSNP rs3742719, ClinGen allele CA7313049.